The following is an entry in ClinVar:

ClinVar aggregate classification (germline): Uncertain significance. Review status: criteria provided, multiple submitters, no conflicts (2 of 4 stars). 3 submissions from 3 submitters: Uncertain significance (3). Last evaluated 2024-05-10.

Conditions:
Congenital myasthenic syndrome 20. Also called: Myasthenic syndrome, congenital, 20, presynaptic. Identifiers: MedGen C4310694, MONDO:0014939, OMIM 617143.
Neuronopathy, distal hereditary motor, type 7A. Also called: HARPER-YOUNG MYOPATHY; HMN VIIA; Neuronopathy, distal hereditary motor, type viia; NEURONOPATHY, DISTAL HEREDITARY MOTOR, HARDING TYPE VIIA; NEUROPATHY, DISTAL HEREDITARY MOTOR, HARDING TYPE VIIA; Neuronopathy, distal hereditary motor, autosomal dominant 7. Identifiers: Orphanet 139589, MedGen C1834703, MONDO:0008024, OMIM 158580.

Allele frequency attached by ClinVar (database versions not stated): gnomAD exomes below 0.00001; TOPMed below 0.00001; gnomAD 0.00001.
gnomAD v4.1: 2 of 1,613,882 alleles (0.00012%); highest among the groups gnomAD compares: Non-Finnish European, 0.00017%; no homozygotes.

Submissions (3):

Women's Health and Genetics/Laboratory Corporation of America, LabCorp
Classification: Uncertain significance. Last evaluated: 2024-05-10. Review status: criteria provided, single submitter. Criteria: LabCorp Variant Classification Summary - May 2015. Collection method: clinical testing. Allele origin: germline.
Comment: Variant summary: SLC5A7 c.1484C>G (p.Ser495Cys) results in a non-conservative amino acid change in the encoded protein sequence. Five of five in-silico tools predict a damaging effect of the variant on protein function. The variant was absent in 251042 control chromosomes. The available data on variant occurrences in the general population are insufficient to allow any conclusion about variant significance. To our knowledge, no occurrence of c.1484C>G in individuals affected with SLC5A7-Related Disorders and no experimental evidence demonstrating its impact on protein function have been reported. ClinVar contains an entry for this variant (Variation ID: 1426538). Based on the evidence outlined above, the variant was classified as uncertain significance.

Revvity Omics, Revvity
Classification: Uncertain significance. Last evaluated: 2023-10-27. Review status: criteria provided, single submitter. Criteria: ACMG Guidelines, 2015. Collection method: clinical testing. Allele origin: germline.

Labcorp Genetics (formerly Invitae), Labcorp
Classification: Uncertain significance for Neuronopathy, distal hereditary motor, type 7A; Congenital myasthenic syndrome 20. Last evaluated: 2021-07-31. Review status: criteria provided, single submitter. Criteria: Invitae Variant Classification Sherloc (09022015). Collection method: clinical testing. Allele origin: germline.
Comment: This variant has not been reported in the literature in individuals affected with SLC5A7-related conditions. This variant is not present in population databases (ExAC no frequency). This sequence change replaces serine with cysteine at codon 495 of the SLC5A7 protein (p.Ser495Cys). The serine residue is highly conserved and there is a moderate physicochemical difference between serine and cysteine. Algorithms developed to predict the effect of missense changes on protein structure and function (SIFT, PolyPhen-2, Align-GVGD) all suggest that this variant is likely to be disruptive. In summary, the available evidence is currently insufficient to determine the role of this variant in disease. Therefore, it has been classified as a Variant of Uncertain Significance.

NM_021815.5(SLC5A7):c.1484C>G (p.Ser495Cys)

Gene: SLC5A7 (solute carrier family 5 member 7; plus strand). Cytogenetic location: 2q12.3.
Variant type: single nucleotide variant.
Coding change: c.1484C>G on transcript NM_021815.5 (MANE Select); coding-DNA position 1484, C replaced by G.
Protein change: p.Ser495Cys; replaces serine 495 with cysteine.
Molecular consequence: missense variant.
Genome position (GRCh38, 1-based): chr2:108,010,602, C>G. VCF-style: chr2-108010602-C-G. GRCh37 (hg19) VCF-style: chr2-108627058-C-G.
Other names: c.1484C>G, p.Ser495Cys (NM_001305005.3); c.1169C>G, p.Ser390Cys (NM_001305006.3); c.743C>G, p.Ser248Cys (NM_001305007.3); short protein forms S390C, S248C, S495C.
Identifiers: ClinVar variation 1426538 (VCV001426538.8), dbSNP rs1446927168, ClinGen allele CA348114683.